The following is an entry in ClinVar:

ClinVar aggregate classification (germline): Uncertain significance (1 of 4 stars; one submission).

Conditions:
Mucopolysaccharidosis type 6 (MPS6). Also called: N-ACETYLGALACTOSAMINE-4-SULFATASE DEFICIENCY; MPS VI; MPS 6; Maroteaux Lamy syndrome; ARSB DEFICIENCY; ARYLSULFATASE B DEFICIENCY. Identifiers: Orphanet 583, MedGen C0026709, MONDO:0009661, OMIM 253200.

Submission:

Laboratory of Diagnosis and Therapy of Lysosomal Disorders, University of Padova
Classification: Uncertain significance for Mucopolysaccharidosis type 6. Last evaluated: 2018-01-01. Review status: criteria provided, single submitter. Criteria: ACMG Guidelines, 2015. Collection method: curation. Allele origin: germline. Affected: yes.
Comment: Absent from GnomAD (PM2); Multiple lines of computational evidence support a deleterious effect on the gene product (PP3)

Literature cited by the submitters: PubMed 26909334; PubMed 30118150.

NM_000046.5(ARSB):c.332A>C (p.His111Pro)

Gene: ARSB (arylsulfatase B; minus strand). Cytogenetic location: 5q14.1.
Variant type: single nucleotide variant.
Coding change: c.332A>C on transcript NM_000046.5 (MANE Select); coding-DNA position 332, A replaced by C.
Protein change: p.His111Pro; replaces histidine 111 with proline.
Molecular consequence: missense variant.
Genome position (GRCh38, 1-based): chr5:78,969,173, T>G on the plus strand (A>C on the coding strand, the complement: ARSB is on the minus strand). VCF-style: chr5-78969173-T-G. GRCh37 (hg19) VCF-style: chr5-78264996-T-G.
Other names: c.332A>C, p.His111Pro (NM_198709.3); short protein forms H111P.
Identifiers: ClinVar variation 559771 (VCV000559771.1), dbSNP rs1554088096, ClinGen allele CA360194478.
Genomic context (GRCh38, chr5:78,969,173, plus strand): 5'-TGGGGCAGGAGTTTTTCATCCAGAGGAACACAGCTGGGCTGACAGGGCCAGATTATTTGG[T>G]GCTGTAAACCTGTACGGATCTTACAGAGATAAACATAAAATTATAGATTAATGACATTGA-3'
Protein context (NP_000037.2, residues 101-121): GRYQIRTGLQ[His111Pro]QIIWPCQPSC